The following is an entry in ClinVar:

NM_003002.4(SDHD):c.53-10C>G

Gene: SDHD (succinate dehydrogenase complex subunit D; plus strand). Cytogenetic location: 11q23.1.
Variant type: single nucleotide variant.
Coding change: c.53-10C>G on transcript NM_003002.4 (MANE Select); 10 bases into the intron before coding-DNA position 53, C replaced by G.
Molecular consequence: intron variant.
Genome position (GRCh38, 1-based): chr11:112,087,847, C>G. VCF-style: chr11-112087847-C-G. GRCh37 (hg19) VCF-style: chr11-111958571-C-G.
Other names: c.53-10C>G (NM_001276506.2, NM_001276503.2); c.52+888C>G (NM_001276504.2).
Identifiers: ClinVar variation 852870 (VCV000852870.11), dbSNP rs201350484, ClinGen allele CA228550972.

ClinVar aggregate classification (germline): Conflicting classifications of pathogenicity. Review status: criteria provided, conflicting classifications (1 of 4 stars). 3 submissions from 3 submitters: Uncertain significance (2); Likely benign (1). Last evaluated 2025-11-19.

Conditions:
Hereditary pheochromocytoma and paraganglioma. Also called: Hereditary pheochromocytoma-paraganglioma; Hereditary paragangliomas and pheochromocytomas; Hereditary Paraganglioma-Pheochromocytoma Syndromes. Identifiers: Orphanet 29072, MedGen C4274332, MONDO:0017366.
Carney-Stratakis syndrome. Also called: PARAGANGLIOMA AND GASTROINTESTINAL STROMAL TUMOR. Identifiers: Orphanet 97286, MedGen C1847319, MONDO:0011740, OMIM 606864.
Cowden syndrome 3 (CWS3). Identifiers: Orphanet 201, MedGen CN166604, MONDO:0014045.
Pheochromocytoma. Also called: MAX-Related Hereditary Paraganglioma-Pheochromocytoma Syndrome. Identifiers: Orphanet 29072, MedGen C0031511, MONDO:0008233, OMIM 171300, HP:0002666.
Paragangliomas with sensorineural hearing loss. Identifiers: MedGen C1868633.

Allele frequency attached by ClinVar (database versions not stated): gnomAD 0.00001; TOPMed 0.00001.
gnomAD v4.1: 1 of 1,581,670 alleles (0.000063%); highest among the groups gnomAD compares: Non-Finnish European, 0.000087%; no homozygotes.

Submissions (3):

Color Diagnostics, LLC DBA Color Health
Classification: Uncertain significance for Hereditary pheochromocytoma and paraganglioma. Last evaluated: 2025-11-19. Review status: criteria provided, single submitter. Criteria: ACMG Guidelines, 2015. Collection method: clinical testing. Allele origin: germline.
Comment: This variant causes a C to G nucleotide substitution at the -10 position of intron 1 of the SDHD gene. To our knowledge, RNA studies have not been reported for this variant. This variant has not been reported in individuals affected with SDHD-related disorders in the literature. This variant has been identified in 1/1581670 chromosomes in the general population by the Genome Aggregation Database (gnomAD). The available evidence is insufficient to determine the role of this variant in disease conclusively. Therefore, this variant is classified as a Variant of Uncertain Significance.

Labcorp Genetics (formerly Invitae), Labcorp
Classification: Likely benign for Carney-Stratakis syndrome; Paragangliomas with sensorineural hearing loss; Pheochromocytoma; Cowden syndrome 3. Last evaluated: 2025-10-20. Review status: criteria provided, single submitter. Criteria: Invitae Variant Classification Sherloc (09022015). Collection method: clinical testing. Allele origin: germline.

All of Us Research Program, National Institutes of Health
Classification: Uncertain significance for Hereditary pheochromocytoma and paraganglioma. Last evaluated: 2023-11-20. Review status: criteria provided, single submitter. Criteria: ACMG Guidelines, 2015. Collection method: clinical testing. Allele origin: germline. Inheritance: Autosomal dominant inheritance. Observed: 1 variant allele, 1 heterozygote.
Comment: This variant causes a C to G nucleotide substitution at the -10 position of intron 1 of the SDHD gene. To our knowledge, RNA studies have not been reported for this variant. This variant has not been reported in individuals affected with SDHD-related disorders in the literature. This variant has not been identified in the general population by the Genome Aggregation Database (gnomAD). The available evidence is insufficient to determine the role of this variant in disease conclusively. Therefore, this variant is classified as a Variant of Uncertain Significance.

This study involves interpretation of variants in research participants for the purpose of population health screening. Participant phenotype was not available at the time of variant classification. Additional details can be found in publication PMID: 35346344, PMCID: PMC8962531